The following is an entry in ClinVar:

ClinVar aggregate classification (germline): Uncertain significance (1 of 4 stars; one submission).

gnomAD v4.1: 1 of 1,613,984 alleles (0.000062%); highest among the groups gnomAD compares: Non-Finnish European, 0.000085%; no homozygotes.

Submission:

GeneDx
Classification: Uncertain significance. Last evaluated: 2024-01-01. Review status: criteria provided, single submitter. Criteria: GeneDx Variant Classification Process June 2021. Collection method: clinical testing. Allele origin: germline. Affected: yes.
Comment: Not observed at significant frequency in large population cohorts (gnomAD); In silico analysis supports that this missense variant does not alter protein structure/function; Has not been previously published as pathogenic or benign to our knowledge

NM_001130823.3(DNMT1):c.2764G>A (p.Glu922Lys)

Gene: DNMT1 (DNA methyltransferase 1; minus strand). Cytogenetic location: 19p13.2.
Variant type: single nucleotide variant.
Coding change: c.2764G>A on transcript NM_001130823.3 (MANE Select); coding-DNA position 2764, G replaced by A.
Protein change: p.Glu922Lys; replaces glutamic acid 922 with lysine.
Molecular consequence: missense variant.
Genome position (GRCh38, 1-based): chr19:10,146,481, C>T on the plus strand (G>A on the coding strand, the complement: DNMT1 is on the minus strand). VCF-style: chr19-10146481-C-T. GRCh37 (hg19) VCF-style: chr19-10257157-C-T.
Other names: c.2716G>A, p.Glu906Lys (NM_001318730.2, NM_001379.4); c.2401G>A, p.Glu801Lys (NM_001318731.2); short protein forms E801K, E906K, E922K.
Identifiers: ClinVar variation 3367461 (VCV003367461.1).
Genomic context (GRCh38, chr19:10,146,481, plus strand): 5'-CTGAGTAGTAGAGGACCCGGCTATCCAGGTCCTCGAGCTGCTCCAGGACCCTGGGGATTT[C>T]TTTTTGCCTCATCTCAGCCAGACGGGCACAGCTCACACAGAATCTGAAGGAAACAAAGGG-3'
Protein context (NP_001124295.1, residues 912-932): CARLAEMRQK[Glu922Lys]IPRVLEQLED